The following is an entry in ClinVar:

ClinVar aggregate classification (germline): Pathogenic/Likely pathogenic. Review status: criteria provided, multiple submitters, no conflicts (2 of 4 stars). 5 submissions from 5 submitters: Pathogenic (4); Likely pathogenic (1). Last evaluated 2026-02-16.

Conditions:
Hyperornithinemia-hyperammonemia-homocitrullinuria syndrome (HHHS). Also called: HHH SYNDROME; Ornithine translocase deficiency. Identifiers: Orphanet 415, MedGen C0268540, MONDO:0009393, OMIM 238970.

Submissions (5):

Women's Health and Genetics/Laboratory Corporation of America, LabCorp
Classification: Pathogenic for Hyperornithinemia-hyperammonemia-homocitrullinuria syndrome. Last evaluated: 2026-02-16. Review status: criteria provided, single submitter. Criteria: LabCorp Variant Classification Summary - May 2015. Collection method: clinical testing. Allele origin: germline.
Comment: Variant summary: SLC25A15 c.265C>T (p.Gln89X) results in a premature termination codon, predicted to cause a truncation of the encoded protein or absence of the protein due to nonsense mediated decay, which are commonly known mechanisms for disease. The variant was absent in 250042 control chromosomes. To our knowledge, no occurrence of c.265C>T in individuals affected with SLC25A15-related conditions and no experimental evidence demonstrating its impact on protein function have been reported. ClinVar contains an entry for this variant (Variation ID: 2678859). Based on the evidence outlined above, the variant was classified as pathogenic.

Natera, Inc.
Classification: Pathogenic for Hyperornithinemia-hyperammonemia-homocitrullinuria syndrome. Last evaluated: 2024-05-06. Review status: criteria provided, single submitter. Criteria: Natera Variant Classification Schema (03/2026). Collection method: clinical testing. Allele origin: germline.
Comment: The c.265C>T variant in SLC25A15 is a nonsense variant predicted to introduce a stop codon at amino acid 89. This variant is expected to result in nonsense mediated decay, truncation, or a dysfunctional protein product. This variant is rare in the general population with a frequency below the threshold expected for the associated phenotype(s). This variant has been observed in one or more individuals affected with the associated recessive disease, as either homozygous or compound heterozygous with a second variant (PMID: 11552031). Given the available evidence, this variant is classified as Pathogenic.

Fulgent Genetics
Classification: Likely pathogenic for Hyperornithinemia-hyperammonemia-homocitrullinuria syndrome. Last evaluated: 2024-02-06. Review status: criteria provided, single submitter. Criteria: ACMG Guidelines, 2015. Collection method: clinical testing. Allele origin: germline.

Baylor Genetics
Classification: Pathogenic for Hyperornithinemia-hyperammonemia-homocitrullinuria syndrome. Last evaluated: 2022-02-17. Review status: criteria provided, single submitter. Criteria: ACMG Guidelines, 2015. Collection method: clinical testing. Allele origin: unknown.

Kariminejad - Najmabadi Pathology & Genetics Center
Classification: Pathogenic for Hyperornithinemia-hyperammonemia-homocitrullinuria syndrome. Review status: criteria provided, single submitter. Criteria: ACMG Guidelines, 2015. Collection method: clinical testing. Allele origin: germline. Affected: no.

Literature cited by the submitters: PubMed 11552031 (cited by Natera, Inc.).

NM_014252.4(SLC25A15):c.265C>T (p.Gln89Ter)

Gene: SLC25A15 (solute carrier family 25 member 15; plus strand). Cytogenetic location: 13q14.11.
Variant type: single nucleotide variant.
Coding change: c.265C>T on transcript NM_014252.4 (MANE Select); coding-DNA position 265, C replaced by T.
Protein change: p.Gln89Ter; replaces glutamine 89 with a stop codon.
Molecular consequence: nonsense. On other transcripts: non-coding transcript variant (2).
Genome position (GRCh38, 1-based): chr13:40,799,266, C>T. VCF-style: chr13-40799266-C-T. GRCh37 (hg19) VCF-style: chr13-41373402-C-T.
Other names: c.265C>T (NM_014252.3); short protein forms Q89*.
Identifiers: ClinVar variation 2678859 (VCV002678859.5), dbSNP rs2546917744, ClinGen allele CA387917157.
Genomic context (GRCh38, chr13:40,799,266, plus strand): 5'-CCAGCACTAATCGCCAACATCGCTGAGAACTCAGTCCTCTTCATGTGCTACGGCTTCTGC[C>T]AGCAGGTGGTGCGGAAAGTGGCTGGATTGGACAAGCAGGCAAAGCTGAGGTGAGTCAAGG-3'